The following is an entry in ClinVar:

ClinVar aggregate classification (germline): Uncertain significance (1 of 4 stars; one submission).

gnomAD v4.1: 1 of 1,609,622 alleles (0.000062%); no homozygotes.

Submission:

Ambry Genetics
Classification: Uncertain significance. Last evaluated: 2024-10-05. Review status: criteria provided, single submitter. Criteria: Ambry Variant Classification Scheme 2023. Collection method: clinical testing. Allele origin: germline.
Comment: The p.A1062S variant (also known as c.3184G>T), located in coding exon 12 of the WNK2 gene, results from a G to T substitution at nucleotide position 3184. The alanine at codon 1062 is replaced by serine, an amino acid with similar properties. This amino acid position is conserved. In addition, this alteration is predicted to be tolerated by in silico analysis. Based on the available evidence, the clinical significance of this variant remains unclear.

NM_006648.4(WNK2):c.3184G>T (p.Ala1062Ser)

Gene: WNK2 (WNK lysine deficient protein kinase 2; plus strand). Cytogenetic location: 9q22.31.
Variant type: single nucleotide variant.
Coding change: c.3184G>T on transcript NM_006648.4 (MANE Select); coding-DNA position 3184, G replaced by T.
Protein change: p.Ala1062Ser; replaces alanine 1062 with serine.
Molecular consequence: missense variant.
Genome position (GRCh38, 1-based): chr9:93,261,931, G>T. VCF-style: chr9-93261931-G-T. GRCh37 (hg19) VCF-style: chr9-96024213-G-T.
Other names: c.3184G>T, p.Ala1062Ser (NM_001282394.3); short protein forms A1062S.
Identifiers: ClinVar variation 3470096 (VCV003470096.1).